The following is an entry in ClinVar:

ClinVar aggregate classification (germline): Uncertain significance. Review status: criteria provided, multiple submitters, no conflicts (2 of 4 stars). 3 submissions from 3 submitters: Uncertain significance (3). Last evaluated 2022-10-05.

Conditions:
Familial melanoma. Also called: Hereditary melanoma; Hereditary cutaneous melanoma. Identifiers: Orphanet 618, MedGen C1512419, MONDO:0018961.
Hereditary cancer-predisposing syndrome. Also called: Neoplastic Syndromes, Hereditary; Tumor predisposition; Hereditary neoplastic syndrome; Hereditary Cancer Syndrome. Identifiers: Orphanet 140162, MedGen C0027672, MeSH D009386, MONDO:0015356.
CDK4-related disorder. Also called: CDK4-related condition.

Allele frequency attached by ClinVar (database versions not stated): gnomAD below 0.00001 and 0.00001.

Submissions (3):

PreventionGenetics, part of Exact Sciences
Classification: Uncertain significance for CDK4-related condition. Last evaluated: 2022-10-05. Review status: criteria provided, single submitter. Criteria: ACMG Guidelines, 2015. Collection method: clinical testing. Allele origin: germline.
Comment: The CDK4 c.550G>A variant is predicted to result in the amino acid substitution p.Glu184Lys. To our knowledge, this variant has not been reported in the literature or in a large population database, indicating this variant is rare. This variant is interpreted as uncertain in ClinVar. At this time, the clinical significance of this variant is uncertain due to the absence of conclusive functional and genetic evidence.

Labcorp Genetics (formerly Invitae), Labcorp
Classification: Uncertain significance for Familial melanoma. Last evaluated: 2022-03-13. Review status: criteria provided, single submitter. Criteria: Invitae Variant Classification Sherloc (09022015). Collection method: clinical testing. Allele origin: germline.
Comment: Advanced modeling of protein sequence and biophysical properties (such as structural, functional, and spatial information, amino acid conservation, physicochemical variation, residue mobility, and thermodynamic stability) performed at Invitae indicates that this missense variant is expected to disrupt CDK4 protein function. ClinVar contains an entry for this variant (Variation ID: 825795). This variant has not been reported in the literature in individuals affected with CDK4-related conditions. This variant is not present in population databases (gnomAD no frequency). This sequence change replaces glutamic acid, which is acidic and polar, with lysine, which is basic and polar, at codon 184 of the CDK4 protein (p.Glu184Lys). In summary, the available evidence is currently insufficient to determine the role of this variant in disease. Therefore, it has been classified as a Variant of Uncertain Significance.

Ambry Genetics
Classification: Uncertain significance for Hereditary cancer-predisposing syndrome. Last evaluated: 2018-09-12. Review status: criteria provided, single submitter. Criteria: Ambry Variant Classification Scheme 2023. Collection method: clinical testing. Allele origin: germline.
Comment: The p.E184K variant (also known as c.550G>A), located in coding exon 4 of the CDK4 gene, results from a G to A substitution at nucleotide position 550. The glutamic acid at codon 184 is replaced by lysine, an amino acid with similar properties. This amino acid position is highly conserved in available vertebrate species. In addition, this alteration is predicted to be deleterious by in silico analysis. Since supporting evidence is limited at this time, the clinical significance of this alteration remains unclear.

NM_000075.4(CDK4):c.550G>A (p.Glu184Lys)

Gene: CDK4 (cyclin dependent kinase 4; minus strand). Cytogenetic location: 12q14.1.
Variant type: single nucleotide variant.
Coding change: c.550G>A on transcript NM_000075.4 (MANE Select); coding-DNA position 550, G replaced by A.
Protein change: p.Glu184Lys; replaces glutamic acid 184 with lysine.
Molecular consequence: missense variant.
Genome position (GRCh38, 1-based): chr12:57,750,738, C>T on the plus strand (G>A on the coding strand, the complement: CDK4 is on the minus strand). VCF-style: chr12-57750738-C-T. GRCh37 (hg19) VCF-style: chr12-58144521-C-T.
Other names: short protein forms E184K.
Identifiers: ClinVar variation 825795 (VCV000825795.14), dbSNP rs1595110227, ClinGen allele CA385545908.